The following is an entry in ClinVar:

NC_000021.9:g.(?_35048832)_(35049298_?)dup

Gene: RUNX1 (RUNX family transcription factor 1; minus strand). Cytogenetic location: 21q22.12.
Variant type: Duplication.
Identifiers: ClinVar variation 832472 (VCV000832472.6).

ClinVar aggregate classification (germline): Uncertain significance (1 of 4 stars; one submission).

Conditions:
Hereditary thrombocytopenia and hematological cancer predisposition syndrome associated with RUNX1. Also called: PLATELET DISORDER, ASPIRIN-LIKE; Familial Platelet Disorder with Propensity to Acute Myelogenous Leukemia; Familial thrombocytopenia with propensity to acute myelogenous leukemia; RUNX1 Familial Platelet Disorder with Associated Myeloid Malignancies. Identifiers: Orphanet 71290, MedGen C1832388, MeSH C563324, MONDO:0100083, OMIM 601399.

Submission:

Labcorp Genetics (formerly Invitae), Labcorp
Classification: Uncertain significance for Hereditary thrombocytopenia and hematological cancer predisposition syndrome associated with RUNX1. Last evaluated: 2023-01-12. Review status: criteria provided, single submitter. Criteria: Invitae Variant Classification Sherloc (09022015). Collection method: clinical testing. Allele origin: germline.
Comment: In summary, the available evidence is currently insufficient to determine the role of this variant in disease. Therefore, it has been classified as a Variant of Uncertain Significance. Experimental studies and prediction algorithms are not available or were not evaluated, and the functional significance of this variant is currently unknown. This variant has not been reported in the literature in individuals affected with RUNX1-related conditions. This variant results in a copy number gain of the genomic region encompassing exon(s) 1-2 of the RUNX1 gene. This region includes the initiator codon of the gene. This copy number gain extends beyond the assayed region for this gene and therefore may encompass additional genes. As the precise location of this event is unknown, it may be in tandem or it may be located elsewhere in the genome.